The following is an entry in ClinVar:

NM_133433.4(NIPBL):c.5755C>G (p.Pro1919Ala)

Gene: NIPBL (NIPBL cohesin loading factor; plus strand). Cytogenetic location: 5p13.2.
Variant type: single nucleotide variant.
Coding change: c.5755C>G on transcript NM_133433.4 (MANE Select); coding-DNA position 5755, C replaced by G.
Protein change: p.Pro1919Ala; replaces proline 1919 with alanine.
Molecular consequence: missense variant.
Genome position (GRCh38, 1-based): chr5:37,026,274, C>G. VCF-style: chr5-37026274-C-G. GRCh37 (hg19) VCF-style: chr5-37026376-C-G.
Other names: c.5755C>G, p.Pro1919Ala (NM_001438586.1, NM_015384.5); short protein forms P1919A.
Identifiers: ClinVar variation 4839649 (VCV004839649.1).

ClinVar aggregate classification (germline): Uncertain significance (1 of 4 stars; one submission).

Conditions:
Inborn genetic diseases. Identifiers: MedGen C0950123, MeSH D030342.

gnomAD v4.1: 1 of 1,612,178 alleles (0.000062%); highest among the groups gnomAD compares: Non-Finnish European, 0.000085%; no homozygotes.

Submission:

Ambry Genetics
Classification: Uncertain significance for Inborn genetic diseases. Last evaluated: 2026-01-21. Review status: criteria provided, single submitter. Criteria: Ambry Variant Classification Scheme 2023. Collection method: clinical testing. Allele origin: germline.
Comment: The c.5755C>G (p.P1919A) alteration is located in exon 31 (coding exon 30) of the NIPBL gene. This alteration results from a C to G substitution at nucleotide position 5755, causing the proline (P) at amino acid position 1919 to be replaced by an alanine (A). Based on data from gnomAD, the G allele has an overall frequency of <0.001% (1/250466) total alleles studied. The highest observed frequency was 0.001% (1/113250) of European (non-Finnish) alleles. Based on insufficient or conflicting evidence, the clinical significance of this alteration remains unclear.